The following is an entry in ClinVar:

NM_015910.7(WDPCP):c.1748+18311T>A

Gene: WDPCP (WD repeat containing planar cell polarity effector; minus strand). Cytogenetic location: 2p15.
Variant type: single nucleotide variant.
Coding change: c.1748+18311T>A on transcript NM_015910.7 (MANE Select); 18311 bases into the intron after coding-DNA position 1748, T replaced by A.
Molecular consequence: intron variant. On other transcripts: missense variant (1).
Genome position (GRCh38, 1-based): chr2:63,360,075, A>T on the plus strand (T>A on the coding strand, the complement: WDPCP is on the minus strand). VCF-style: chr2-63360075-A-T. GRCh37 (hg19) VCF-style: chr2-63587210-A-T.
Other names: c.1750T>A, p.Trp584Arg (NM_001354045.2); c.1676+18311T>A (NM_001354044.2); c.1271+18311T>A (NM_001042692.3); short protein forms W584R.
Identifiers: ClinVar variation 4988805 (VCV004988805.1).

ClinVar aggregate classification (germline): Uncertain significance (1 of 4 stars; one submission).

Conditions:
WDPCP-related disorder. Also called: WDPCP-related condition.

Submission:

PreventionGenetics, part of Exact Sciences
Classification: Uncertain significance for WDPCP-related condition. Last evaluated: 2025-05-01. Review status: criteria provided, single submitter. Criteria: ACMG Guidelines, 2015. Collection method: clinical testing. Allele origin: germline.
Comment: The WDPCP c.1750T>A variant is predicted to result in the amino acid substitution p.Trp584Arg. In the primary transcript, NM_015910, this variant is located in a non-coding region (c.1748+18311T>A). To our knowledge, this variant has not been reported in the literature. This variant is reported in 0.034% of alleles in individuals of African descent in gnomAD. At this time, the clinical significance of this variant is uncertain due to the absence of conclusive functional and genetic evidence.